The following is an entry in ClinVar:

ClinVar aggregate classification (germline): Uncertain significance. Review status: criteria provided, multiple submitters, no conflicts (2 of 4 stars). 2 submissions from 2 submitters: Uncertain significance (2). Last evaluated 2024-11-19.

Conditions:
Inborn genetic diseases. Identifiers: MedGen C0950123, MeSH D030342.

gnomAD v4.1: 59 of 1,613,948 alleles (0.0037%); highest among the groups gnomAD compares: African/African-American, 0.077%; 1 homozygote.

Submissions (2):

Ambry Genetics
Classification: Uncertain significance for Inborn genetic diseases. Last evaluated: 2024-11-19. Review status: criteria provided, single submitter. Criteria: Ambry Variant Classification Scheme 2023. Collection method: clinical testing. Allele origin: germline.

Mayo Clinic Laboratories, Mayo Clinic
Classification: Uncertain significance. Last evaluated: 2023-12-26. Review status: criteria provided, single submitter. Criteria: ACMG Guidelines, 2015. Collection method: clinical testing. Allele origin: germline. Observed: 1 variant allele.
Comment: BP4, PM1

NM_000173.7(GP1BA):c.854A>C (p.Asp285Ala)

Gene: GP1BA (glycoprotein Ib platelet subunit alpha; plus strand). Cytogenetic location: 17p13.2.
Variant type: single nucleotide variant.
Coding change: c.854A>C on transcript NM_000173.7 (MANE Select); coding-DNA position 854, A replaced by C.
Protein change: p.Asp285Ala; replaces aspartic acid 285 with alanine.
Molecular consequence: missense variant.
Genome position (GRCh38, 1-based): chr17:4,933,458, A>C. VCF-style: chr17-4933458-A-C. GRCh37 (hg19) VCF-style: chr17-4836753-A-C.
Other names: p.Asp285Ala; c.854A>C (NM_000173.5); short protein forms D285A.
Identifiers: ClinVar variation 3380459 (VCV003380459.2).